The following is an entry in ClinVar:

NM_030665.4(RAI1):c.2907C>T (p.Asp969=)

Gene: RAI1 (retinoic acid induced 1; plus strand). Cytogenetic location: 17p11.2.
Variant type: single nucleotide variant.
Coding change: c.2907C>T on transcript NM_030665.4 (MANE Select); coding-DNA position 2907, C replaced by T.
Protein change: p.Asp969=; no amino-acid change (aspartic acid 969 retained).
Molecular consequence: synonymous variant.
Genome position (GRCh38, 1-based): chr17:17,795,855, C>T. VCF-style: chr17-17795855-C-T. GRCh37 (hg19) VCF-style: chr17-17699169-C-T.
Identifiers: ClinVar variation 261935 (VCV000261935.39), dbSNP rs141757356, ClinGen allele CA8418628.

ClinVar aggregate classification (germline): Benign/Likely benign. Review status: criteria provided, multiple submitters, no conflicts (2 of 4 stars). 7 submissions from 7 submitters: Benign (3); Likely benign (4). Last evaluated 2026-09-01.

Conditions:
Inborn genetic diseases. Identifiers: MedGen C0950123, MeSH D030342.
Smith-Magenis syndrome (SMS). Also called: CHROMOSOME 17p11.2 DELETION SYNDROME. Identifiers: Orphanet 819, MedGen C0795864, MONDO:0008434, OMIM 182290.

Allele frequency attached by ClinVar (database versions not stated): gnomAD exomes 0.00166; ExAC 0.00172; 1000 Genomes Project 30x 0.00219; 1000 Genomes Project 0.00240; gnomAD 0.00449 and 0.00492; TOPMed 0.00508; ESP Exome Variant Server 0.00531.
gnomAD v4.1: 1,878 of 1,613,106 alleles (0.12%); highest among the groups gnomAD compares: African/African-American, 1.4%; 8 homozygotes.

Submissions (7):

CeGaT Center for Human Genetics Tuebingen
Classification: Likely benign. Last evaluated: 2026-09-01. Review status: criteria provided, single submitter. Criteria: CeGaT Center For Human Genetics Tuebingen Variant Classification Criteria Version 2. Collection method: clinical testing. Allele origin: germline. Affected: yes. Observed: 13 variant alleles.
Comment: RAI1: BP4, BP7, BS1

Labcorp Genetics (formerly Invitae), Labcorp
Classification: Benign. Last evaluated: 2026-02-01. Review status: criteria provided, single submitter. Criteria: Invitae Variant Classification Sherloc (09022015). Collection method: clinical testing. Allele origin: germline.

Fulgent Genetics
Classification: Likely benign for Smith-Magenis syndrome. Last evaluated: 2021-12-01. Review status: criteria provided, single submitter. Criteria: ACMG Guidelines, 2015. Collection method: clinical testing. Allele origin: unknown.

GeneDx
Classification: Benign. Last evaluated: 2019-05-31. Review status: criteria provided, single submitter. Criteria: GeneDx Variant Classification Process June 2021. Collection method: clinical testing. Allele origin: germline. Affected: yes.
Comment: This variant is associated with the following publications: (PMID: 21857958)

Ambry Genetics
Classification: Benign for Inborn genetic diseases. Last evaluated: 2016-10-13. Review status: criteria provided, single submitter. Criteria: Ambry Variant Classification Scheme 2023. Collection method: clinical testing. Allele origin: germline.

Breakthrough Genomics
Classification: Likely benign. Review status: criteria provided, single submitter. Criteria: ACMG Guidelines, 2015. Collection method: not provided. Allele origin: germline. Inheritance: Autosomal dominant inheritance. Affected: yes.

PreventionGenetics, part of Exact Sciences
Classification: Likely benign. Review status: criteria provided, single submitter. Criteria: ACMG Guidelines, 2015. Collection method: clinical testing. Allele origin: germline.